The following is an entry in ClinVar:

ClinVar aggregate classification (germline): Uncertain significance (1 of 4 stars; one submission).

Conditions:
Hyperkalemic periodic paralysis. Also called: Familial hyperkalemic periodic paralysis; Gamstorp disease. Identifiers: Orphanet 682, MedGen C0238357, MONDO:0008224, OMIM 170500, HP:0007215.

Allele frequency attached by ClinVar (database versions not stated): TOPMed 0.00002.

Submission:

Labcorp Genetics (formerly Invitae), Labcorp
Classification: Uncertain significance for Hyperkalemic periodic paralysis. Last evaluated: 2022-08-01. Review status: criteria provided, single submitter. Criteria: Invitae Variant Classification Sherloc (09022015). Collection method: clinical testing. Allele origin: germline.
Comment: This sequence change replaces isoleucine, which is neutral and non-polar, with valine, which is neutral and non-polar, at codon 1391 of the SCN4A protein (p.Ile1391Val). In summary, the available evidence is currently insufficient to determine the role of this variant in disease. Therefore, it has been classified as a Variant of Uncertain Significance. Algorithms developed to predict the effect of missense changes on protein structure and function output the following: SIFT: "Tolerated"; PolyPhen-2: "Benign"; Align-GVGD: "Class C0". The valine amino acid residue is found in multiple mammalian species, which suggests that this missense change does not adversely affect protein function. This variant has not been reported in the literature in individuals affected with SCN4A-related conditions. This variant is not present in population databases (gnomAD no frequency).

NM_000334.4(SCN4A):c.4171A>G (p.Ile1391Val)

Genes: GH-LCR (growth hormone locus control region; plus strand), SCN4A (sodium voltage-gated channel alpha subunit 4; minus strand). Cytogenetic location: 17q23.3.
Variant type: single nucleotide variant.
Coding change: c.4171A>G on transcript NM_000334.4 (MANE Select); coding-DNA position 4171, A replaced by G.
Protein change: p.Ile1391Val; replaces isoleucine 1391 with valine.
Molecular consequence: missense variant.
Genome position (GRCh38, 1-based): chr17:63,942,943, T>C on the plus strand (A>G on the coding strand, the complement: SCN4A is on the minus strand). VCF-style: chr17-63942943-T-C. GRCh37 (hg19) VCF-style: chr17-62020303-T-C.
Other names: short protein forms I1391V.
Identifiers: ClinVar variation 1910623 (VCV001910623.5), dbSNP rs866459001, ClinGen allele CA292958196.